The following is an entry in ClinVar:

ClinVar aggregate classification (germline): Likely pathogenic (1 of 4 stars; one submission).

Conditions:
Neurodevelopmental disorder. Identifiers: MedGen C1535926, MeSH D065886, MONDO:0700092.

Allele frequency attached by ClinVar (database versions not stated): gnomAD exomes below 0.00001.
gnomAD v4.1: 1 of 1,614,190 alleles (0.000062%); highest among the groups gnomAD compares: Non-Finnish European, 0.000085%; no homozygotes.

Submission:

Victorian Clinical Genetics Services, Murdoch Childrens Research Institute
Classification: Likely pathogenic for Neurodevelopmental disorder. Last evaluated: 2022-02-02. Review status: criteria provided, single submitter. Criteria: ACMG Guidelines, 2015. Collection method: clinical testing. Allele origin: germline. Inheritance: Autosomal dominant inheritance. Affected: yes.
Comment: Based on the classification scheme VCGS_Germline_v1.3.4, this variant is classified as Likely pathogenic. Following criteria are met: 0105 - The mechanism of disease for this gene is not clearly established. (I) 0107 - This gene is associated with autosomal dominant disease. Heterozygous germline variants have been identified in individuals with neurodevelopmental disorder (unpublished evidence obtained by personal communication). (I) 0201 - Variant is predicted to cause nonsense-mediated decay (NMD) and loss of protein (premature termination codon is located at least 54 nucleotides upstream of the final exon-exon junction). (SP) 0251 - This variant is heterozygous. (I) 0301 - Variant is absent from gnomAD (both v2 and v3). (SP) 0705 - No comparable null variants have previous evidence for pathogenicity. (I) 0807 - This variant has no previous evidence of pathogenicity. (I) 0905 - No published segregation evidence has been identified for this variant. (I) 1007 - No published functional evidence has been identified for this variant. (SP) Legend: (SP) - Supporting pathogenic, (I) - Information, (SB) - Supporting benign

NM_006885.4(ZFHX3):c.8002C>T (p.Arg2668Ter)

Genes: ZFHX3 (zinc finger homeobox 3; minus strand), ZFHX3-AS1 (ZFHX3 antisense RNA 1; plus strand). Cytogenetic location: 16q22.2.
Variant type: single nucleotide variant.
Coding change: c.8002C>T on transcript NM_006885.4 (MANE Select); coding-DNA position 8002, C replaced by T.
Protein change: p.Arg2668Ter; replaces arginine 2668 with a stop codon.
Molecular consequence: nonsense.
Genome position (GRCh38, 1-based): chr16:72,794,680, G>A on the plus strand (C>T on the coding strand, the complement: ZFHX3 is on the minus strand). VCF-style: chr16-72794680-G-A. GRCh37 (hg19) VCF-style: chr16-72828579-G-A.
Other names: c.5260C>T, p.Arg1754Ter (NM_001164766.2); c.8002C>T, p.Arg2668Ter (NM_001386735.1); short protein forms R1754*, R2668*.
Identifiers: ClinVar variation 1805417 (VCV001805417.1), dbSNP rs2143405085, ClinGen allele CA396725469.